The following is an entry in ClinVar:

NM_000257.4(MYH7):c.4020C>T (p.Cys1340=)

Gene: MYH7 (myosin heavy chain 7; minus strand). Cytogenetic location: 14q11.2.
Variant type: single nucleotide variant.
Coding change: c.4020C>T on transcript NM_000257.4 (MANE Select); coding-DNA position 4020, C replaced by T.
Protein change: p.Cys1340=; no amino-acid change (cysteine 1340 retained).
Molecular consequence: synonymous variant.
Genome position (GRCh38, 1-based): chr14:23,418,359, G>A on the plus strand (C>T on the coding strand, the complement: MYH7 is on the minus strand). VCF-style: chr14-23418359-G-A. GRCh37 (hg19) VCF-style: chr14-23887568-G-A.
Identifiers: ClinVar variation 922157 (VCV000922157.10), dbSNP rs374499515, ClinGen allele CA040071.

ClinVar aggregate classification (germline): Likely benign. Review status: criteria provided, multiple submitters, no conflicts (2 of 4 stars). 3 submissions from 3 submitters: Likely benign (3). Last evaluated 2025-08-12.

Conditions:
Cardiomyopathy (CMYO). Also called: Cardiomyopathies. Identifiers: Orphanet 167848, MedGen C0878544, MONDO:0004994, HP:0001638. Inheritance: Various modes of inheritance.
Hypertrophic cardiomyopathy. Also called: HYPERTROPHIC MYOCARDIOPATHY. Identifiers: Orphanet 217569, MedGen C0007194, MeSH D002312, MONDO:0005045, HP:0001639.

Allele frequency attached by ClinVar (database versions not stated): gnomAD 0.00001; gnomAD exomes 0.00001; TOPMed 0.00001; ExAC 0.00003; ESP Exome Variant Server 0.00008.
gnomAD v4.1: 9 of 1,613,622 alleles (0.00056%); highest among the groups gnomAD compares: South Asian, 0.0044%; no homozygotes.

Submissions (3):

Labcorp Genetics (formerly Invitae), Labcorp
Classification: Likely benign for Hypertrophic cardiomyopathy. Last evaluated: 2025-08-12. Review status: criteria provided, single submitter. Criteria: Invitae Variant Classification Sherloc (09022015). Collection method: clinical testing. Allele origin: germline.

All of Us Research Program, National Institutes of Health
Classification: Likely benign for Cardiomyopathy. Last evaluated: 2023-11-20. Review status: criteria provided, single submitter. Criteria: ACMG Guidelines, 2015. Collection method: clinical testing. Allele origin: germline. Inheritance: Autosomal dominant inheritance. Observed: 1 variant allele, 1 heterozygote.
Comment: This study involves interpretation of variants in research participants for the purpose of population health screening. Participant phenotype was not available at the time of variant classification. Additional details can be found in publication PMID: 35346344, PMCID: PMC8962531

Color Diagnostics, LLC DBA Color Health
Classification: Likely benign for Cardiomyopathy. Last evaluated: 2019-07-15. Review status: criteria provided, single submitter. Criteria: ACMG Guidelines, 2015. Collection method: clinical testing. Allele origin: germline.